The following is an entry in ClinVar:

NM_017617.5(NOTCH1):c.4513T>C (p.Cys1505Arg)

Gene: NOTCH1 (notch receptor 1; minus strand). Cytogenetic location: 9q34.3.
Variant type: single nucleotide variant.
Coding change: c.4513T>C on transcript NM_017617.5 (MANE Select); coding-DNA position 4513, T replaced by C.
Protein change: p.Cys1505Arg; replaces cysteine 1505 with arginine.
Molecular consequence: missense variant.
Genome position (GRCh38, 1-based): chr9:136,505,383, A>G on the plus strand (T>C on the coding strand, the complement: NOTCH1 is on the minus strand). VCF-style: chr9-136505383-A-G. GRCh37 (hg19) VCF-style: chr9-139399835-A-G.
Other names: short protein forms C1505R.
Identifiers: ClinVar variation 850097 (VCV000850097.18), dbSNP rs1843064220, ClinGen allele CA375646995.

ClinVar aggregate classification (germline): Uncertain significance; other. Review status: criteria provided, multiple submitters, no conflicts (2 of 4 stars). 2 submissions from 2 submitters: Uncertain significance (1). Last evaluated 2019-04-09.

Conditions:
Adams-Oliver syndrome 5 (AOS5). Identifiers: Orphanet 974, MedGen C4014970, MONDO:0014459, OMIM 616028.
Cholesteatoma of middle ear. Identifiers: MedGen C0155490, MeSH D018424, MONDO:0006533.

Submissions (2):

Labcorp Genetics (formerly Invitae), Labcorp
Classification: Uncertain significance for Adams-Oliver syndrome 5. Last evaluated: 2019-04-09. Review status: criteria provided, single submitter. Criteria: Invitae Variant Classification Sherloc (09022015). Collection method: clinical testing. Allele origin: germline.
Comment: This sequence change replaces cysteine with arginine at codon 1505 of the NOTCH1 protein (p.Cys1505Arg). The cysteine residue is highly conserved and there is a large physicochemical difference between cysteine and arginine. This variant is not present in population databases (ExAC no frequency). This variant has not been reported in the literature in individuals with NOTCH1-related conditions. Algorithms developed to predict the effect of missense changes on protein structure and function (SIFT, PolyPhen-2, Align-GVGD) all suggest that this variant is likely to be disruptive, but these predictions have not been confirmed by published functional studies and their clinical significance is uncertain. In summary, the available evidence is currently insufficient to determine the role of this variant in disease. Therefore, it has been classified as a Variant of Uncertain Significance.

Department of Human Genetics, Nagasaki University
Classification: other for Cholesteatoma of middle ear. Review status: criteria provided, single submitter. Criteria: AMP Guidelines, 2017. Collection method: research. Allele origin: somatic. Affected: yes. Observed: 1 variant allele.
Comment: variant allele frequency in tumor is 0.0233 (9/377)